The following is an entry in ClinVar:

NM_015102.5(NPHP4):c.2646C>T (p.Asp882=)

Gene: NPHP4 (nephrocystin 4; minus strand). Cytogenetic location: 1p36.31.
Variant type: single nucleotide variant.
Coding change: c.2646C>T on transcript NM_015102.5 (MANE Select); coding-DNA position 2646, C replaced by T.
Protein change: p.Asp882=; no amino-acid change (aspartic acid 882 retained).
Molecular consequence: synonymous variant. On other transcripts: non-coding transcript variant (1).
Genome position (GRCh38, 1-based): chr1:5,877,264, G>A on the plus strand (C>T on the coding strand, the complement: NPHP4 is on the minus strand). VCF-style: chr1-5877264-G-A. GRCh37 (hg19) VCF-style: chr1-5937324-G-A.
Other names: c.1107C>T, p.Asp369= (NM_001291593.2); c.1110C>T, p.Asp370= (NM_001291594.2); c.2646C>T (NM_015102.4).
Identifiers: ClinVar variation 594600 (VCV000594600.15), dbSNP rs774354969, ClinGen allele CA553980.
Genomic context (GRCh38, chr1:5,877,264, plus strand): 5'-CTGGGGCCCCTTGCCCTGCCGGGCATGGGTCAGTAGCATGGCAGCCAGCTCACTGTCCAC[G>A]TCCGCCAGCTTCTGTGCTTGCACCACGTGTTTTCCTGCGAAAGGGTCAGAGCGCGAGTCA-3'
Protein context (NP_055917.1, residues 872-892): KHVVQAQKLA[Asp882=]VDSELAAMLL

ClinVar aggregate classification (germline): Conflicting classifications of pathogenicity. Review status: criteria provided, conflicting classifications (1 of 4 stars). 4 submissions from 4 submitters: Uncertain significance (1); Likely benign (2). 1 of the submissions does not count toward it. Last evaluated 2025-02-11.

Conditions:
NPHP4-related disorder. Also called: NPHP4-related disorders; NPHP4-related condition. Identifiers: MedGen CN239384.
Nephronophthisis. Also called: Juvenile Nephronophthisis. Identifiers: Orphanet 655, MedGen C0687120, MONDO:0019005, HP:0000090.

Allele frequency attached by ClinVar (database versions not stated): ExAC 0.00001; gnomAD exomes 0.00001 and 0.00002; TOPMed 0.00002; gnomAD 0.00003.
gnomAD v4.1: 31 of 1,604,952 alleles (0.0019%); highest among the groups gnomAD compares: East Asian, 0.0045%; no homozygotes.

Submissions (4):

Labcorp Genetics (formerly Invitae), Labcorp
Classification: Likely benign for Nephronophthisis. Last evaluated: 2025-02-11. Review status: criteria provided, single submitter. Criteria: Invitae Variant Classification Sherloc (09022015). Collection method: clinical testing. Allele origin: germline.

Blueprint Genetics
Classification: Likely benign. Last evaluated: 2021-01-19. Review status: criteria provided, single submitter. Criteria: ACMG Guidelines, 2015. Collection method: clinical testing. Allele origin: germline.

Eurofins Ntd Llc (ga)
Classification: Uncertain significance. Last evaluated: 2017-11-03. Review status: criteria provided, single submitter. Criteria: EGL Classification Definitions 2015. Collection method: clinical testing. Allele origin: germline. Observed: 1 variant allele, 1 heterozygote.

PreventionGenetics, part of Exact Sciences
Classification: Likely benign for NPHP4-related condition. Last evaluated: 2023-09-26. Review status: no assertion criteria provided. Collection method: clinical testing. Allele origin: germline. Not counted in ClinVar's aggregate classification.
Comment: This variant is classified as likely benign based on ACMG/AMP sequence variant interpretation guidelines (Richards et al. 2015 PMID: 25741868, with internal and published modifications).